The following is an entry in ClinVar:

NC_000005.9:g.(?_82836129)_(82838461_?)del

Gene: VCAN (versican; plus strand). Cytogenetic location: 5q14.3.
Variant type: Deletion.
Identifiers: ClinVar variation 3246509 (VCV003246509.1).

ClinVar aggregate classification (germline): Likely pathogenic (1 of 4 stars; one submission).

Submission:

Labcorp Genetics (formerly Invitae), Labcorp
Classification: Likely pathogenic. Last evaluated: 2020-02-12. Review status: criteria provided, single submitter. Criteria: Invitae Variant Classification Sherloc (09022015). Collection method: clinical testing. Allele origin: unknown.
Comment: In summary, the currently available evidence indicates that the variant is pathogenic, but additional data are needed to prove that conclusively. Therefore, this variant has been classified as Likely Pathogenic. Loss-of-function variants in VCAN are known to be pathogenic (PMID: 26720455). This variant has been observed in individual(s) with retinitis pigmentosa (Invitae). This variant results in the deletion of part of exon 8 of the VCAN gene. It is expected to disrupt RNA splicing and likely results in an absent or disrupted protein product.

Literature cited by the submitters: PubMed 26720455.